The following is an entry in ClinVar:

NC_000016.9:g.(?_89839669)_(89866056_?)del

Gene: FANCA (FA complementation group A; minus strand). Cytogenetic location: 16q24.3.
Variant type: Deletion.
Identifiers: ClinVar variation 1075504 (VCV001075504.5).

ClinVar aggregate classification (germline): Pathogenic (1 of 4 stars; one submission).

Conditions:
Fanconi anemia (FA). Also called: Fanconi's anemia. Identifiers: Orphanet 84, MedGen C0015625, MeSH D005199, MONDO:0019391.

Submission:

Labcorp Genetics (formerly Invitae), Labcorp
Classification: Pathogenic for Fanconi anemia. Last evaluated: 2022-01-19. Review status: criteria provided, single submitter. Criteria: Invitae Variant Classification Sherloc (09022015). Collection method: clinical testing. Allele origin: germline.
Comment: This variant is a gross deletion of the genomic region encompassing exon(s) 9-22 of the FANCA gene. This deletion is out-of-frame, and is expected to create a premature termination codon and result in an absent or disrupted protein product. Loss-of-function variants in FANCA are known to be pathogenic (PMID: 19367192). A similar copy number variant has been observed in individual(s) with fanconi anemia (PMID: 25239263, 29098742). For these reasons, this variant has been classified as Pathogenic.

Literature cited by the submitters: PubMed 19367192; PubMed 25239263; PubMed 29098742.